The following is an entry in ClinVar:

NM_015662.3(IFT172):c.402+2T>G

Gene: IFT172 (intraflagellar transport 172; minus strand). Cytogenetic location: 2p23.3.
Variant type: single nucleotide variant.
Coding change: c.402+2T>G on transcript NM_015662.3 (MANE Select); the canonical splice donor site of the intron after coding-DNA position 402, T replaced by G.
Molecular consequence: splice donor variant.
Genome position (GRCh38, 1-based): chr2:27,483,870, A>C on the plus strand (T>G on the coding strand, the complement: IFT172 is on the minus strand). VCF-style: chr2-27483870-A-C. GRCh37 (hg19) VCF-style: chr2-27706737-A-C.
Other names: c.402+2T>G (NM_015662.2, NM_001410739.1).
Identifiers: ClinVar variation 1487038 (VCV001487038.11), dbSNP rs774548930, ClinGen allele CA1580998.

ClinVar aggregate classification (germline): Conflicting classifications of pathogenicity. Review status: criteria provided, conflicting classifications (1 of 4 stars). 4 submissions from 4 submitters: Likely pathogenic (2); Uncertain significance (1). 1 of the submissions does not count toward it. Last evaluated 2025-03-17.

Conditions:
Retinitis pigmentosa 71 (RP71). Identifiers: Orphanet 791, MedGen C4225342, MONDO:0014618, OMIM 616394.
Short-rib thoracic dysplasia 10 with or without polydactyly (SRTD10). Identifiers: Orphanet 474, MedGen C3810175, MONDO:0014284, OMIM 615630.
Bardet-Biedl syndrome 20. Identifiers: MedGen C4310707, MONDO:0023670, OMIM 619471, MONDO:0014926.
IFT172-related disorder. Also called: IFT172-related disorders; IFT172-related condition.

Allele frequency attached by ClinVar (database versions not stated): gnomAD exomes below 0.00001 and 0.00001; ExAC 0.00001; gnomAD 0.00001 and 0.00002; TOPMed 0.00003.
gnomAD v4.1: 5 of 1,611,246 alleles (0.00031%); highest among the groups gnomAD compares: Admixed American, 0.0017%; no homozygotes.

Submissions (4):

Labcorp Genetics (formerly Invitae), Labcorp
Classification: Likely pathogenic for Retinitis pigmentosa 71; Short-rib thoracic dysplasia 10 with or without polydactyly. Last evaluated: 2025-03-17. Review status: criteria provided, single submitter. Criteria: Invitae Variant Classification Sherloc (09022015). Collection method: clinical testing. Allele origin: germline.
Comment: This sequence change affects a donor splice site in intron 5 of the IFT172 gene. It is expected to disrupt RNA splicing. Variants that disrupt the donor or acceptor splice site typically lead to a loss of protein function (PMID: 16199547), and loss-of-function variants in IFT172 are known to be pathogenic (PMID: 24140113). This variant is present in population databases (rs774548930, gnomAD 0.02%). This variant has not been reported in the literature in individuals affected with IFT172-related conditions. ClinVar contains an entry for this variant (Variation ID: 1487038). Algorithms developed to predict the effect of sequence changes on RNA splicing suggest that this variant may disrupt the consensus splice site. In summary, the currently available evidence indicates that the variant is pathogenic, but additional data are needed to prove that conclusively. Therefore, this variant has been classified as Likely Pathogenic.

Blueprint Genetics
Classification: Uncertain significance. Last evaluated: 2022-09-05. Review status: criteria provided, single submitter. Criteria: ACMG Guidelines, 2015. Collection method: clinical testing. Allele origin: germline.

Fulgent Genetics
Classification: Likely pathogenic for Short-rib thoracic dysplasia 10 with or without polydactyly; Retinitis pigmentosa 71; Bardet-Biedl syndrome 20. Last evaluated: 2022-04-14. Review status: criteria provided, single submitter. Criteria: ACMG Guidelines, 2015. Collection method: clinical testing. Allele origin: unknown.

PreventionGenetics, part of Exact Sciences
Classification: Likely pathogenic for IFT172-related condition. Last evaluated: 2024-05-14. Review status: no assertion criteria provided. Collection method: clinical testing. Allele origin: germline. Not counted in ClinVar's aggregate classification.
Comment: The IFT172 c.402+2T>G variant is predicted to disrupt the GT donor site and interfere with normal splicing. To our knowledge, this variant has not been reported in the literature. This variant is reported in 0.020% of alleles in individuals of Ashkenazi Jewish descent in gnomAD. Variants that disrupt the consensus splice donor site in IFT172 are expected to be pathogenic. This variant is interpreted as likely pathogenic.

Literature cited by the submitters: PubMed 16199547 (cited by Labcorp Genetics (formerly Invitae), Labcorp); PubMed 24140113 (cited by Labcorp Genetics (formerly Invitae), Labcorp).